The following is an entry in ClinVar:

ClinVar aggregate classification (germline): Uncertain significance (1 of 4 stars; one submission).

Conditions:
Optic atrophy 3 (OPA3). Also called: Optic atrophy 3 with cataract; OPTIC ATROPHY 3, AUTOSOMAL DOMINANT; Optic atrophy, cataract, and neurologic disorder. Identifiers: Orphanet 67036, MedGen C1833809, MONDO:0008133, OMIM 165300.
3-Methylglutaconic aciduria type 3 (MGCA3). Also called: OPA3-Related 3-Methylglutaconic Aciduria; Costeff Syndrome; OPA3, AUTOSOMAL RECESSIVE; OPTIC ATROPHY 3, AUTOSOMAL RECESSIVE. Identifiers: Orphanet 67047, MedGen C0574084, MONDO:0009787, OMIM 258501.

Submission:

Labcorp Genetics (formerly Invitae), Labcorp
Classification: Uncertain significance for 3-Methylglutaconic aciduria type 3; Optic atrophy 3. Last evaluated: 2022-10-24. Review status: criteria provided, single submitter. Criteria: Invitae Variant Classification Sherloc (09022015). Collection method: clinical testing. Allele origin: germline.
Comment: In summary, the available evidence is currently insufficient to determine the role of this variant in disease. Therefore, it has been classified as a Variant of Uncertain Significance. This sequence change replaces glutamine, which is neutral and polar, with lysine, which is basic and polar, at codon 105 of the OPA3 protein (p.Gln105Lys). This variant is not present in population databases (gnomAD no frequency). This variant has not been reported in the literature in individuals affected with OPA3-related conditions. ClinVar contains an entry for this variant (Variation ID: 1416933). Algorithms developed to predict the effect of missense changes on protein structure and function (SIFT, PolyPhen-2, Align-GVGD) all suggest that this variant is likely to be tolerated. This variant disrupts the p.Gln105 amino acid residue in OPA3. Other variant(s) that disrupt this residue have been determined to be pathogenic (PMID: 15342707, 24136862, 25159689). This suggests that this residue is clinically significant, and that variants that disrupt this residue are likely to be disease-causing.

Literature cited by the submitters: PubMed 15342707; PubMed 24136862; PubMed 25159689.

NM_025136.4(OPA3):c.313C>A (p.Gln105Lys)

Genes: OPA3 (outer mitochondrial membrane lipid metabolism regulator OPA3; minus strand), OPA3-RTN2 (OPA3-RTN2 readthrough; minus strand). Cytogenetic location: 19q13.32.
Variant type: single nucleotide variant.
Coding change: c.313C>A on transcript NM_025136.4 (MANE Select); coding-DNA position 313, C replaced by A.
Protein change: p.Gln105Lys; replaces glutamine 105 with lysine.
Molecular consequence: missense variant. On other transcripts: intron variant (1).
Genome position (GRCh38, 1-based): chr19:45,553,741, G>T on the plus strand (C>A on the coding strand, the complement: OPA3 is on the minus strand). VCF-style: chr19-45553741-G-T. GRCh37 (hg19) VCF-style: chr19-46056999-G-T.
Other names: c.143-24285C>A (NM_001017989.3); short protein forms Q105K.
Identifiers: ClinVar variation 1416933 (VCV001416933.8), dbSNP rs80356525, ClinGen allele CA406370808.
Genomic context (GRCh38, chr19:45,553,741, plus strand): 5'-CGTCCCGCAGCGCGTTCCAGGCAGCACGCTGCTCCTCCTCCTTGTGGCGCTGCTGCGCCT[G>T]GTGGCGCCAGTACTCCAGCACTAGGCAGCCGCCGCCCACGATGAAGATGGTGGCTTCGCC-3'
Protein context (NP_079412.1, residues 95-115): GCLVLEYWRH[Gln105Lys]AQQRHKEEEQ